The following is an entry in ClinVar:

NM_001009944.3(PKD1):c.3490G>A (p.Gly1164Arg)

Gene: PKD1 (polycystin 1, transient receptor potential channel interacting; minus strand). Cytogenetic location: 16p13.3.
Variant type: single nucleotide variant.
Coding change: c.3490G>A on transcript NM_001009944.3 (MANE Select); coding-DNA position 3490, G replaced by A.
Protein change: p.Gly1164Arg; replaces glycine 1164 with arginine.
Molecular consequence: missense variant.
Genome position (GRCh38, 1-based): chr16:2,111,677, C>T on the plus strand (G>A on the coding strand, the complement: PKD1 is on the minus strand). VCF-style: chr16-2111677-C-T. GRCh37 (hg19) VCF-style: chr16-2161678-C-T.
Other names: p.Gly1164Arg; c.3490G>A, p.Gly1164Arg (NM_000296.4); short protein forms G1164R.
Identifiers: ClinVar variation 1179183 (VCV001179183.15), dbSNP rs2151801188, ClinGen allele CA394382995.

ClinVar aggregate classification (germline): Conflicting classifications of pathogenicity. Review status: criteria provided, conflicting classifications (1 of 4 stars). 7 submissions from 7 submitters: Pathogenic (2); Likely pathogenic (2); Uncertain significance (2). 1 of the submissions does not count toward it. Last evaluated 2026-07-13.

Conditions:
Polycystic kidney disease, adult type (PKD1). Also called: Polycystic Kidney, Autosomal Dominant; POLYCYSTIC KIDNEY DISEASE 1 WITH OR WITHOUT POLYCYSTIC LIVER DISEASE; Polycystic Kidney Disease 1, Autosomal Dominant; Polycystic kidney disease 1; Polycystic kidney disease 1, severe; POLYCYSTIC KIDNEY DISEASE, ADULT, TYPE I. Identifiers: MedGen C3149841, MONDO:0008263, OMIM 173900.
PKD1-related disorder. Also called: PKD1-related condition.

gnomAD v4.1: 1 of 1,576,858 alleles (0.000063%); highest among the groups gnomAD compares: Non-Finnish European, 0.000086%; no homozygotes.

Submissions (7):

Victorian Clinical Genetics Services, Murdoch Childrens Research Institute
Classification: Pathogenic for Polycystic kidney disease, adult type. Last evaluated: 2026-07-13. Review status: criteria provided, single submitter. Criteria: ACMG Guidelines, 2015. Collection method: clinical testing. Allele origin: germline. Affected: yes.
Comment: This variant is classified as Pathogenic. Evidence in support of pathogenic classification: Variant is present in gnomAD <0.001 for a dominant condition (v4: 1 heterozygote(s), 0 homozygote(s)); This variant has strong previous evidence of pathogenicity in unrelated individuals. This variant has been been classified as likely pathogenic or a VUS by clinical laboratories on ClinVar. This variant has also been reported in the literature in multiple unrelated individuals with polycystic kidney disease (PMID: 38541974, 35778421, 26453610, 32457805, 32398770, 27782177), and in multiple individuals with renal cysts tested at VCGS; Missense variant predicted to be damaging by in silico tool(s) or highly conserved with a major amino acid change. Additional information: Variant is predicted to result in a missense amino acid change from glycine to arginine; This variant is heterozygous; This gene is associated with autosomal dominant disease. Polycystic kidney disease 1 (MIM#173900) is predominantly caused by monoallelic variants, with rare reports of biallelic variants causing disease (OMIM); Alternative amino acid change(s) at the same position are present in gnomAD (highest allele count: v4: 1 heterozygote(s), 0 homozygote(s)); No published functional evidence has been identified for this variant; No comparable missense variants have previous evidence for pathogenicity; Variant is located in the annotated PKD domain (DECIPHER); Loss of function is a known mechanism of disease in this gene and is associated with polycystic kidney disease 1 (MIM#173900); Inheritance information for this variant is not currently available in this individual.

Mayo Clinic Laboratories, Mayo Clinic
Classification: Likely pathogenic. Last evaluated: 2025-02-04. Review status: criteria provided, single submitter. Criteria: ACMG Guidelines, 2015. Collection method: clinical testing. Allele origin: germline. Observed: 4 variant alleles.
Comment: PP3_moderate, PM2_supporting, PS4

GeneDx
Classification: Uncertain significance. Last evaluated: 2023-10-25. Review status: criteria provided, single submitter. Criteria: GeneDx Variant Classification Process June 2021. Collection method: clinical testing. Allele origin: germline. Affected: yes.
Comment: Not observed at significant frequency in large population cohorts (gnomAD); In silico analysis supports that this missense variant has a deleterious effect on protein structure/function; This variant is associated with the following publications: (PMID: 27782177)

Department of Pathology and Laboratory Medicine, Sinai Health System
Classification: Uncertain significance for Polycystic kidney disease, adult type. Last evaluated: 2023-10-11. Review status: criteria provided, single submitter. Criteria: ACMG Guidelines, 2015. Collection method: clinical testing. Allele origin: germline. Affected: yes.

MVZ Medizinische Genetik Mainz
Classification: Pathogenic for Polycystic kidney disease, adult type. Last evaluated: 2023-05-25. Review status: criteria provided, single submitter. Criteria: UK Practice Guidelines For Variant Classification V4 01 2020. Collection method: clinical testing. Allele origin: germline. Inheritance: Autosomal dominant inheritance. Affected: yes. Observed: 1 variant allele.
Comment: ACMG Criteria: PS1,PS4,PP3_MOD,PM2_SUP,PP4

Fulgent Genetics
Classification: Likely pathogenic for Polycystic kidney disease, adult type. Last evaluated: 2022-01-31. Review status: criteria provided, single submitter. Criteria: ACMG Guidelines, 2015. Collection method: clinical testing. Allele origin: unknown.

PreventionGenetics, part of Exact Sciences
Classification: Uncertain significance for PKD1-related condition. Last evaluated: 2023-12-14. Review status: no assertion criteria provided. Collection method: clinical testing. Allele origin: germline. Not counted in ClinVar's aggregate classification.
Comment: The PKD1 c.3490G>A variant is predicted to result in the amino acid substitution p.Gly1164Arg. This variant was reported in an individual with autosomal dominant polycystic kidney disease (Table S2, Jin et al. 2016. PubMed ID: 27782177). This variant has not been reported in a large population database, indicating this variant is rare. Alternative variant at the same nucleotide c.3490G>C leading to the same protein change p.Gly1164Arg was reported in an individual with autosomal dominant polycystic kidney disease (Table S3, Hwang et al. 2016. PubMed ID: 26453610). Although we suspect that this variant may be pathogenic, at this time, the clinical significance of this variant is uncertain due to the absence of conclusive functional and genetic evidence.

Literature cited by the submitters: PubMed 35778421 (cited by Victorian Clinical Genetics Services, Murdoch Childrens Research Institute and Mayo Clinic Laboratories, Mayo Clinic); PubMed 27782177 (cited by Victorian Clinical Genetics Services, Murdoch Childrens Research Institute and Mayo Clinic Laboratories, Mayo Clinic); PubMed 38541974 (cited by Victorian Clinical Genetics Services, Murdoch Childrens Research Institute and Mayo Clinic Laboratories, Mayo Clinic); PubMed 32457805 (cited by Victorian Clinical Genetics Services, Murdoch Childrens Research Institute and Mayo Clinic Laboratories, Mayo Clinic); PubMed 26453610 (cited by Victorian Clinical Genetics Services, Murdoch Childrens Research Institute and Mayo Clinic Laboratories, Mayo Clinic); PubMed 32398770 (cited by Victorian Clinical Genetics Services, Murdoch Childrens Research Institute and Mayo Clinic Laboratories, Mayo Clinic); PubMed 35325889 (cited by Mayo Clinic Laboratories, Mayo Clinic); PubMed 36938073 (cited by Mayo Clinic Laboratories, Mayo Clinic); PubMed 37509056 (cited by Mayo Clinic Laboratories, Mayo Clinic).